The following is an entry in ClinVar:

ClinVar aggregate classification (germline): Uncertain significance (1 of 4 stars; one submission).

Submission:

GeneDx
Classification: Uncertain significance. Last evaluated: 2025-08-12. Review status: criteria provided, single submitter. Criteria: GeneDx Variant Classification Process June 2021. Collection method: clinical testing. Allele origin: germline. Affected: yes.
Comment: Not observed at significant frequency in large population cohorts (gnomAD); In silico analysis supports that this missense variant has a deleterious effect on protein structure/function; Has not been previously published as pathogenic or benign to our knowledge

NM_006885.4(ZFHX3):c.7099G>T (p.Asp2367Tyr)

Genes: ZFHX3 (zinc finger homeobox 3; minus strand), ZFHX3-AS1 (ZFHX3 antisense RNA 1; plus strand). Cytogenetic location: 16q22.2.
Variant type: single nucleotide variant.
Coding change: c.7099G>T on transcript NM_006885.4 (MANE Select); coding-DNA position 7099, G replaced by T.
Protein change: p.Asp2367Tyr; replaces aspartic acid 2367 with tyrosine.
Molecular consequence: missense variant.
Genome position (GRCh38, 1-based): chr16:72,795,583, C>A on the plus strand (G>T on the coding strand, the complement: ZFHX3 is on the minus strand). VCF-style: chr16-72795583-C-A. GRCh37 (hg19) VCF-style: chr16-72829482-C-A.
Other names: c.4357G>T, p.Asp1453Tyr (NM_001164766.2); c.7099G>T, p.Asp2367Tyr (NM_001386735.1); short protein forms D2367Y, D1453Y.
Identifiers: ClinVar variation 4795751 (VCV004795751.1).